The following is an entry in ClinVar:

NM_020166.5(MCCC1):c.*15_*40del

Gene: MCCC1 (methylcrotonyl-CoA carboxylase subunit 1; minus strand). Cytogenetic location: 3q27.1.
Variant type: Deletion.
Coding change: c.*15_*40del on transcript NM_020166.5 (MANE Select); 15 bases downstream of the stop codon through 40 bases downstream of the stop codon, 26 bases deleted (ATGGCCAGTTAAGTAGTGTCTTCTCT).
Molecular consequence: 3 prime UTR variant. On other transcripts: non-coding transcript variant (2).
Genome position (GRCh38, 1-based): chr3:183,015,398-183,015,423, AGAGAAGACACTACTTAACTGGCCAT deleted on the plus strand (ATGGCCAGTTAAGTAGTGTCTTCTCT on the coding strand, the reverse complement: MCCC1 is on the minus strand). VCF-style (leftmost placement, unchanged base first): chr3-183015397-GAGAGAAGACACTACTTAACTGGCCAT-G. GRCh37 (hg19) VCF-style: chr3-182733185-GAGAGAAGACACTACTTAACTGGCCAT-G.
Other names: c.*15_*40del (NM_001293273.2, NM_001363880.1).
Identifiers: ClinVar variation 420442 (VCV000420442.1), dbSNP rs752394015, ClinGen allele CA2718530.

ClinVar aggregate classification (germline): Likely benign (1 of 4 stars; one submission).

Allele frequency attached by ClinVar (database versions not stated): gnomAD exomes 0.00003; ExAC 0.00007; gnomAD 0.00030 and 0.00033; TOPMed 0.00034.

Submission:

GeneDx
Classification: Likely benign. Last evaluated: 2016-03-17. Review status: criteria provided, single submitter. Criteria: GeneDx Variant Classification (06012015). Collection method: clinical testing. Allele origin: germline. Affected: yes.
Comment: This variant is considered likely benign or benign based on one or more of the following criteria: it is a conservative change, it occurs at a poorly conserved position in the protein, it is predicted to be benign by multiple in silico algorithms, and/or has population frequency not consistent with disease.